The following is an entry in ClinVar:

NM_000334.4(SCN4A):c.5264G>T (p.Arg1755Leu)

Genes: GH-LCR (growth hormone locus control region; plus strand), SCN4A (sodium voltage-gated channel alpha subunit 4; minus strand). Cytogenetic location: 17q23.3.
Variant type: single nucleotide variant.
Coding change: c.5264G>T on transcript NM_000334.4 (MANE Select); coding-DNA position 5264, G replaced by T.
Protein change: p.Arg1755Leu; replaces arginine 1755 with leucine.
Molecular consequence: missense variant.
Genome position (GRCh38, 1-based): chr17:63,941,018, C>A on the plus strand (G>T on the coding strand, the complement: SCN4A is on the minus strand). VCF-style: chr17-63941018-C-A. GRCh37 (hg19) VCF-style: chr17-62018378-C-A.
Other names: short protein forms R1755L.
Identifiers: ClinVar variation 2152937 (VCV002152937.8), dbSNP rs373278632, ClinGen allele CA400613134.

ClinVar aggregate classification (germline): Uncertain significance. Review status: criteria provided, multiple submitters, no conflicts (2 of 4 stars). 3 submissions from 3 submitters: Uncertain significance (3). Last evaluated 2026-02-06.

Conditions:
Hyperkalemic periodic paralysis. Also called: Gamstorp disease; Familial hyperkalemic periodic paralysis. Identifiers: Orphanet 682, MedGen C0238357, MONDO:0008224, OMIM 170500, HP:0007215.

gnomAD v4.1: 10 of 1,613,776 alleles (0.00062%); highest among the groups gnomAD compares: Non-Finnish European, 0.00085%; no homozygotes.

Submissions (3):

GeneDx
Classification: Uncertain significance. Last evaluated: 2026-02-06. Review status: criteria provided, single submitter. Criteria: GeneDx Variant Classification Process June 2021. Collection method: clinical testing. Allele origin: germline.
Comment: Not observed at significant frequency in large population cohorts (gnomAD); In silico analysis supports that this missense variant has a deleterious effect on protein structure/function; Has not been previously published as pathogenic or benign to our knowledge

Labcorp Genetics (formerly Invitae), Labcorp
Classification: Uncertain significance for Hyperkalemic periodic paralysis. Last evaluated: 2023-06-05. Review status: criteria provided, single submitter. Criteria: Invitae Variant Classification Sherloc (09022015). Collection method: clinical testing. Allele origin: germline.
Comment: This sequence change replaces arginine, which is basic and polar, with leucine, which is neutral and non-polar, at codon 1755 of the SCN4A protein (p.Arg1755Leu). In summary, the available evidence is currently insufficient to determine the role of this variant in disease. Therefore, it has been classified as a Variant of Uncertain Significance. Advanced modeling of protein sequence and biophysical properties (such as structural, functional, and spatial information, amino acid conservation, physicochemical variation, residue mobility, and thermodynamic stability) performed at Invitae indicates that this missense variant is not expected to disrupt SCN4A protein function. ClinVar contains an entry for this variant (Variation ID: 2152937). This variant has not been reported in the literature in individuals affected with SCN4A-related conditions. This variant is not present in population databases (gnomAD no frequency).

Revvity Omics, Revvity
Classification: Uncertain significance. Last evaluated: 2022-05-04. Review status: criteria provided, single submitter. Criteria: ACMG Guidelines, 2015. Collection method: clinical testing. Allele origin: germline.